The following is an entry in ClinVar:

NM_000260.4(MYO7A):c.47T>A (p.Leu16Ter)

Gene: MYO7A (myosin VIIA; plus strand). Cytogenetic location: 11q13.5.
Variant type: single nucleotide variant.
Coding change: c.47T>A on transcript NM_000260.4 (MANE Select); coding-DNA position 47, T replaced by A.
Protein change: p.Leu16Ter; replaces leucine 16 with a stop codon.
Molecular consequence: nonsense.
Genome position (GRCh38, 1-based): chr11:77,142,737, T>A. VCF-style: chr11-77142737-T-A. GRCh37 (hg19) VCF-style: chr11-76853783-T-A.
Other names: c.47T>A, p.Leu16Ter (NM_001127180.2); c.14T>A, p.Leu5Ter (NM_001369365.1); short protein forms L16*, L5*.
Identifiers: ClinVar variation 549974 (VCV000549974.15), dbSNP rs1052030, ClinGen allele CA6197010.

ClinVar aggregate classification (germline): Pathogenic/Likely pathogenic. Review status: criteria provided, multiple submitters, no conflicts (2 of 4 stars). 4 submissions from 4 submitters: Pathogenic (2); Likely pathogenic (1). 1 of the submissions does not count toward it. Last evaluated 2025-01-16.

Conditions:
Retinal dystrophy. Also called: Inherited retinal dystrophy. Identifiers: Orphanet 71862, MedGen C0854723, MeSH D058499, MONDO:0019118, HP:0000556.
Autosomal recessive nonsyndromic hearing loss 2. Also called: DEAFNESS, AUTOSOMAL RECESSIVE 2; NEUROSENSORY NONSYNDROMIC RECESSIVE DEAFNESS 2. Identifiers: Orphanet 90636, MedGen C1838701, MONDO:0010807, OMIM 600060.
Usher syndrome type 1 (USH1). Also called: RETINITIS PIGMENTOSA AND CONGENITAL DEAFNESS. Identifiers: Orphanet 231169, Orphanet 886, MedGen C1568247, MONDO:0010168, OMIM 276900.
Usher syndrome type 1B (USH1B). Also called: Usher syndrome type IB. Identifiers: MedGen C1848638, MONDO:0700087.

gnomAD v4.1: 1 of 1,609,752 alleles (0.000062%); highest among the groups gnomAD compares: Non-Finnish European, 0.000085%; no homozygotes.

Submissions (4):

Natera, Inc.
Classification: Likely pathogenic for Usher syndrome type 1B. Last evaluated: 2025-01-16. Review status: criteria provided, single submitter. Criteria: Natera Variant Classification Schema (03/2026). Collection method: clinical testing. Allele origin: germline.
Comment: The c.47T>A variant in MYO7A is a nonsense variant predicted to introduce a stop codon at amino acid 16. This variant is expected to result in nonsense mediated decay, truncation, or a dysfunctional protein product. This variant is rare in the general population with a frequency below the threshold expected for the associated phenotype(s). Given the available evidence, this variant is classified as Likely Pathogenic.

Labcorp Genetics (formerly Invitae), Labcorp
Classification: Pathogenic. Last evaluated: 2023-02-05. Review status: criteria provided, single submitter. Criteria: Invitae Variant Classification Sherloc (09022015). Collection method: clinical testing. Allele origin: germline.
Comment: For these reasons, this variant has been classified as Pathogenic. ClinVar contains an entry for this variant (Variation ID: 549974). This premature translational stop signal has been observed in individual(s) with autosomal recessive Usher syndrome (PMID: 10094549). In at least one individual the data is consistent with being in trans (on the opposite chromosome) from a pathogenic variant. This variant is present in population databases (rs1052030, gnomAD 0.0009%). This sequence change creates a premature translational stop signal (p.Leu16*) in the MYO7A gene. It is expected to result in an absent or disrupted protein product. Loss-of-function variants in MYO7A are known to be pathogenic (PMID: 8900236, 25404053).

Institute of Human Genetics, Univ. Regensburg, Univ. Regensburg
Classification: Pathogenic for Retinal dystrophy. Last evaluated: 2022-01-01. Review status: criteria provided, single submitter. Criteria: ACMG Guidelines, 2015. Collection method: clinical testing. Allele origin: germline. Affected: yes.

Counsyl
Classification: Likely pathogenic for Usher syndrome type 1; Autosomal recessive nonsyndromic hearing loss 2. Last evaluated: 2017-01-06. Review status: no assertion criteria provided. Collection method: clinical testing. Allele origin: unknown. Not counted in ClinVar's aggregate classification.

Literature cited by the submitters: PubMed 10094549 (cited by 3 submitters); PubMed 8900236 (cited by Labcorp Genetics (formerly Invitae), Labcorp); PubMed 25404053 (cited by Labcorp Genetics (formerly Invitae), Labcorp); PubMed 25525159 (cited by Institute of Human Genetics, Univ. Regensburg, Univ. Regensburg); PubMed 31964843 (cited by Institute of Human Genetics, Univ. Regensburg, Univ. Regensburg).